The following is an entry in ClinVar:

ClinVar aggregate classification (germline): Uncertain significance (1 of 4 stars; one submission).

Conditions:
Hereditary cancer-predisposing syndrome. Also called: Hereditary Cancer Syndrome; Hereditary neoplastic syndrome; Tumor predisposition; Neoplastic Syndromes, Hereditary. Identifiers: Orphanet 140162, MedGen C0027672, MeSH D009386, MONDO:0015356.

Submission:

Ambry Genetics
Classification: Uncertain significance for Hereditary cancer-predisposing syndrome. Last evaluated: 2022-05-15. Review status: criteria provided, single submitter. Criteria: Ambry Variant Classification Scheme 2023. Collection method: clinical testing. Allele origin: germline.
Comment: The p.G768C variant (also known as c.2302G>T), located in coding exon 15 of the BRIP1 gene, results from a G to T substitution at nucleotide position 2302. The glycine at codon 768 is replaced by cysteine, an amino acid with highly dissimilar properties. This amino acid position is conserved. In addition, this alteration is predicted to be deleterious by in silico analysis. Since supporting evidence is limited at this time, the clinical significance of this alteration remains unclear.

NM_032043.3(BRIP1):c.2302G>T (p.Gly768Cys)

Gene: BRIP1 (BRCA1 interacting DNA helicase 1; minus strand). Cytogenetic location: 17q23.2.
Variant type: single nucleotide variant.
Coding change: c.2302G>T on transcript NM_032043.3 (MANE Select); coding-DNA position 2302, G replaced by T.
Protein change: p.Gly768Cys; replaces glycine 768 with cysteine.
Molecular consequence: missense variant.
Genome position (GRCh38, 1-based): chr17:61,743,090, C>A on the plus strand (G>T on the coding strand, the complement: BRIP1 is on the minus strand). VCF-style: chr17-61743090-C-A. GRCh37 (hg19) VCF-style: chr17-59820451-C-A.
Other names: short protein forms G768C.
Identifiers: ClinVar variation 1789314 (VCV001789314.2), dbSNP rs2077008054, ClinGen allele CA400482678.